The following is an entry in ClinVar:

NM_006269.2(RP1):c.4925T>C (p.Ile1642Thr)

Genes: RP1 (RP1 axonemal microtubule associated; plus strand), LOC126860392 (CDK7 strongly-dependent group 2 enhancer GRCh37_chr8:55541319-55542518; plus strand). Cytogenetic location: 8q12.1.
Variant type: single nucleotide variant.
Coding change: c.4925T>C on transcript NM_006269.2 (MANE Select); coding-DNA position 4925, T replaced by C.
Protein change: p.Ile1642Thr; replaces isoleucine 1642 with threonine.
Molecular consequence: missense variant. On other transcripts: intron variant (1).
Genome position (GRCh38, 1-based): chr8:54,628,807, T>C. VCF-style: chr8-54628807-T-C. GRCh37 (hg19) VCF-style: chr8-55541367-T-C.
Other names: c.787+6519T>C (NM_001375654.1); c.4925T>C (NM_006269.1); short protein forms I1642T.
Identifiers: ClinVar variation 1375820 (VCV001375820.7), dbSNP rs1471875829, ClinGen allele CA370984356.

ClinVar aggregate classification (germline): Uncertain significance. Review status: criteria provided, multiple submitters, no conflicts (2 of 4 stars). 2 submissions from 2 submitters: Uncertain significance (2). Last evaluated 2025-04-05.

Conditions:
Inborn genetic diseases. Identifiers: MedGen C0950123, MeSH D030342.

Allele frequency attached by ClinVar (database versions not stated): gnomAD exomes below 0.00001 and 0.00001; gnomAD 0.00001.
gnomAD v4.1: 6 of 1,614,022 alleles (0.00037%); highest among the groups gnomAD compares: Non-Finnish European, 0.00042%; no homozygotes.

Submissions (2):

Ambry Genetics
Classification: Uncertain significance for Inborn genetic diseases. Last evaluated: 2025-04-05. Review status: criteria provided, single submitter. Criteria: Ambry Variant Classification Scheme 2023. Collection method: clinical testing. Allele origin: germline.

Labcorp Genetics (formerly Invitae), Labcorp
Classification: Uncertain significance. Last evaluated: 2025-03-17. Review status: criteria provided, single submitter. Criteria: Invitae Variant Classification Sherloc (09022015). Collection method: clinical testing. Allele origin: germline.
Comment: This sequence change replaces isoleucine, which is neutral and non-polar, with threonine, which is neutral and polar, at codon 1642 of the RP1 protein (p.Ile1642Thr). This variant is present in population databases (no rsID available, gnomAD 0.0009%). This variant has not been reported in the literature in individuals affected with RP1-related conditions. ClinVar contains an entry for this variant (Variation ID: 1375820). An algorithm developed to predict the effect of missense changes on protein structure and function outputs the following: PolyPhen-2: "Benign". The threonine amino acid residue is found in multiple mammalian species, which suggests that this missense change does not adversely affect protein function. In summary, the available evidence is currently insufficient to determine the role of this variant in disease. Therefore, it has been classified as a Variant of Uncertain Significance.